The following is an entry in ClinVar:

ClinVar aggregate classification (germline): Uncertain significance. Review status: criteria provided, multiple submitters, no conflicts (2 of 4 stars). 2 submissions from 2 submitters: Uncertain significance (2). Last evaluated 2023-07-12.

Conditions:
Hereditary cancer-predisposing syndrome. Also called: Hereditary neoplastic syndrome; Tumor predisposition; Neoplastic Syndromes, Hereditary; Hereditary Cancer Syndrome. Identifiers: Orphanet 140162, MedGen C0027672, MeSH D009386, MONDO:0015356.
DICER1-related tumor predisposition. Also called: DICER1 syndrome; DICER1-related pleuropulmonary blastoma cancer predisposition syndrome. Identifiers: Orphanet 284343, MedGen C3839822, MONDO:0100216.

Submissions (2):

Labcorp Genetics (formerly Invitae), Labcorp
Classification: Uncertain significance for DICER1-related tumor predisposition. Last evaluated: 2023-07-12. Review status: criteria provided, single submitter. Criteria: Invitae Variant Classification Sherloc (09022015). Collection method: clinical testing. Allele origin: germline.
Comment: An algorithm developed to predict the effect of missense changes on protein structure and function (PolyPhen-2) suggests that this variant is likely to be disruptive. In summary, the available evidence is currently insufficient to determine the role of this variant in disease. Therefore, it has been classified as a Variant of Uncertain Significance. ClinVar contains an entry for this variant (Variation ID: 2451721). This variant has not been reported in the literature in individuals affected with DICER1-related conditions. This variant is not present in population databases (gnomAD no frequency). This sequence change replaces methionine, which is neutral and non-polar, with lysine, which is basic and polar, at codon 1837 of the DICER1 protein (p.Met1837Lys).

Ambry Genetics
Classification: Uncertain significance for Hereditary cancer-predisposing syndrome. Last evaluated: 2023-02-03. Review status: criteria provided, single submitter. Criteria: Ambry Variant Classification Scheme 2023. Collection method: clinical testing. Allele origin: germline.
Comment: The p.M1837K variant (also known as c.5510T>A), located in coding exon 24 of the DICER1 gene, results from a T to A substitution at nucleotide position 5510. The methionine at codon 1837 is replaced by lysine, an amino acid with similar properties. This amino acid position is conserved. In addition, this alteration is predicted to be deleterious by in silico analysis. Since supporting evidence is limited at this time, the clinical significance of this alteration remains unclear.

NM_177438.3(DICER1):c.5510T>A (p.Met1837Lys)

Gene: DICER1 (dicer 1, ribonuclease III; minus strand). Cytogenetic location: 14q32.13.
Variant type: single nucleotide variant.
Coding change: c.5510T>A on transcript NM_177438.3 (MANE Select); coding-DNA position 5510, T replaced by A.
Protein change: p.Met1837Lys; replaces methionine 1837 with lysine.
Molecular consequence: missense variant. On other transcripts: non-coding transcript variant (6), intron variant (1).
Genome position (GRCh38, 1-based): chr14:95,091,220, A>T on the plus strand (T>A on the coding strand, the complement: DICER1 is on the minus strand). VCF-style: chr14-95091220-A-T. GRCh37 (hg19) VCF-style: chr14-95557557-A-T.
Other names: c.5510T>A, p.Met1837Lys (NM_001271282.3, NM_001291628.2, NM_001395677.1 and 8 more transcripts); c.5228T>A, p.Met1743Lys (NM_001395686.1); c.5105T>A, p.Met1702Lys (NM_001395687.1, NM_001395688.1, NM_001395689.1 and 1 more transcripts); c.4943T>A, p.Met1648Lys (NM_001395691.1); c.3827T>A, p.Met1276Lys (NM_001395697.1); c.5365-111T>A (NM_001195573.1); short protein forms M1276K, M1837K, M1648K, M1702K, M1743K.
Identifiers: ClinVar variation 2451721 (VCV002451721.5), dbSNP rs2139776114, ClinGen allele CA390864495.